The following is an entry in ClinVar:

ClinVar aggregate classification (germline): Pathogenic/Likely pathogenic. Review status: criteria provided, multiple submitters, no conflicts (2 of 4 stars). 4 submissions from 4 submitters: Pathogenic (2); Likely pathogenic (1). 1 of the submissions does not count toward it. Last evaluated 2026-06-02.

Conditions:
BEST1-related disorder. Also called: BEST1-related condition; BEST1-related disorders. Identifiers: MedGen CN239200.
Autosomal dominant vitreoretinochoroidopathy. Also called: Autosomal Dominant Vitreoretinochoroidopathy (ADVIRC); VITREORETINOCHOROIDOPATHY WITH MICROCORNEA, GLAUCOMA, AND CATARACT; VITREORETINOCHOROIDOPATHY, AUTOSOMAL DOMINANT, WITH NANOPHTHALMOS. Identifiers: Orphanet 263347, Orphanet 3086, MedGen C3888099, MONDO:0008662, OMIM 193220.
Retinitis pigmentosa 50 (RP50). Also called: Retinitis pigmentosa, concentric. Identifiers: Orphanet 791, MedGen C2750789, MONDO:0013175, OMIM 613194.

Submissions (4):

Institute of Human Genetics, University of Leipzig Medical Center
Classification: Likely pathogenic for Autosomal dominant vitreoretinochoroidopathy. Last evaluated: 2026-06-02. Review status: criteria provided, single submitter. Criteria: ACMG Guidelines, 2015. Collection method: clinical testing. Allele origin: unknown. Inheritance: Autosomal dominant inheritance. Affected: yes.
Comment: Criteria applied: PS3_MOD,PS4_MOD,PM2,PP3

Labcorp Genetics (formerly Invitae), Labcorp
Classification: Pathogenic. Last evaluated: 2024-12-02. Review status: criteria provided, single submitter. Criteria: Invitae Variant Classification Sherloc (09022015). Collection method: clinical testing. Allele origin: germline.
Comment: This sequence change replaces isoleucine, which is neutral and non-polar, with threonine, which is neutral and polar, at codon 205 of the BEST1 protein (p.Ile205Thr). This variant is not present in population databases (gnomAD no frequency). This missense change has been observed in individual(s) with autosomal dominant retinitis pigmentosa and autosomal dominant macular dystrophy (PMID: 19853238, 26716959). It has also been observed to segregate with disease in related individuals. ClinVar contains an entry for this variant (Variation ID: 2747). Invitae Evidence Modeling of protein sequence and biophysical properties (such as structural, functional, and spatial information, amino acid conservation, physicochemical variation, residue mobility, and thermodynamic stability) indicates that this missense variant is expected to disrupt BEST1 protein function with a positive predictive value of 95%. Experimental studies have shown that this missense change affects BEST1 function (PMID: 19853238). For these reasons, this variant has been classified as Pathogenic.

Blueprint Genetics
Classification: Pathogenic for BEST1-related disorders. Last evaluated: 2023-11-02. Review status: criteria provided, single submitter. Criteria: ACMG Guidelines, 2015. Collection method: clinical testing. Allele origin: germline. Affected: yes. Observed: 2 variant alleles.

OMIM
Classification: Pathogenic for RETINITIS PIGMENTOSA 50. Last evaluated: 2009-11-01. Review status: no assertion criteria provided. Collection method: literature only. Allele origin: germline. Not counted in ClinVar's aggregate classification.

Literature cited by the submitters: PubMed 19853238 (cited by Labcorp Genetics (formerly Invitae), Labcorp and OMIM); PubMed 26716959 (cited by Labcorp Genetics (formerly Invitae), Labcorp).

NM_004183.4(BEST1):c.614T>C (p.Ile205Thr)

Gene: BEST1 (bestrophin 1; plus strand). Cytogenetic location: 11q12.3.
Variant type: single nucleotide variant.
Coding change: c.614T>C on transcript NM_004183.4 (MANE Select); coding-DNA position 614, T replaced by C.
Protein change: p.Ile205Thr; replaces isoleucine 205 with threonine.
Molecular consequence: missense variant. On other transcripts: non-coding transcript variant (1).
Genome position (GRCh38, 1-based): chr11:61,956,976, T>C. VCF-style: chr11-61956976-T-C. GRCh37 (hg19) VCF-style: chr11-61724448-T-C.
Other names: c.434T>C, p.Ile145Thr (NM_001139443.3, NM_001300786.2, NM_001300787.2); c.296T>C, p.Ile99Thr (NM_001363591.3); c.614T>C, p.Ile205Thr (NM_001363592.2); c.-562T>C (NM_001363593.3); short protein forms I205T, I145T, I99T.
Identifiers: ClinVar variation 2747 (VCV000002747.13), dbSNP rs267606680, ClinGen allele CA252411.